The following is an entry in ClinVar:

ClinVar aggregate classification (germline): Conflicting classifications of pathogenicity. Review status: criteria provided, conflicting classifications (1 of 4 stars). 3 submissions from 3 submitters: Uncertain significance (1); Likely benign (1). 1 of the submissions does not count toward it. Last evaluated 2025-02-01.

Conditions:
TIAM1-related disorder. Also called: TIAM1-related condition.

Allele frequency attached by ClinVar (database versions not stated): gnomAD exomes 0.00010; ExAC 0.00022; ESP Exome Variant Server 0.00069; gnomAD 0.00093; TOPMed 0.00093; 1000 Genomes Project 0.00180; 1000 Genomes Project 30x 0.00187.
gnomAD v4.1: 294 of 1,613,640 alleles (0.018%); highest among the groups gnomAD compares: African/African-American, 0.33%; no homozygotes.

Submissions (3):

CeGaT Center for Human Genetics Tuebingen
Classification: Uncertain significance. Last evaluated: 2025-02-01. Review status: criteria provided, single submitter. Criteria: CeGaT Center For Human Genetics Tuebingen Variant Classification Criteria Version 2. Collection method: clinical testing. Allele origin: germline. Affected: yes. Observed: 1 variant allele.
Comment: TIAM1: PM2, BP4

Blueprint Genetics
Classification: Likely benign. Last evaluated: 2024-11-01. Review status: criteria provided, single submitter. Criteria: ACMG Guidelines, 2015. Collection method: clinical testing. Allele origin: germline.

PreventionGenetics, part of Exact Sciences
Classification: Likely benign for TIAM1-related condition. Last evaluated: 2019-03-22. Review status: no assertion criteria provided. Collection method: clinical testing. Allele origin: germline. Not counted in ClinVar's aggregate classification.
Comment: This variant is classified as likely benign based on ACMG/AMP sequence variant interpretation guidelines (Richards et al. 2015 PMID: 25741868, with internal and published modifications).

NM_001353694.2(TIAM1):c.2218-7G>A

Gene: TIAM1 (TIAM Rac1 associated GEF 1; minus strand). Cytogenetic location: 21q22.11.
Variant type: single nucleotide variant.
Coding change: c.2218-7G>A on transcript NM_001353694.2 (MANE Select); 7 bases into the intron before coding-DNA position 2218, G replaced by A.
Molecular consequence: intron variant.
Genome position (GRCh38, 1-based): chr21:31,210,222, C>T on the plus strand (G>A on the coding strand, the complement: TIAM1 is on the minus strand). VCF-style: chr21-31210222-C-T. GRCh37 (hg19) VCF-style: chr21-32582538-C-T.
Other names: c.2218-7G>A (NM_001353691.1, NM_001353692.1, NM_001353689.1 and 5 more transcripts); c.2143-7G>A (NM_001353687.2).
Identifiers: ClinVar variation 3049146 (VCV003049146.16), dbSNP rs73899688, ClinGen allele CA9998211.
Genomic context (GRCh38, chr21:31,210,222, plus strand): 5'-GTCGCAGTCAGGGTTGTGCTGGTGAACGTTAGGTAAGACCACTTCTTTCTCCCTCTATAA[C>T]AAGAAATAAAGTTAGCAGGGCAGCAGCAGTGGAGCTCTGACAACCCTAGATTCCCAGACT-3'